The following is an entry in ClinVar:

NM_001001344.3(ATP2B3):c.2731C>T (p.Arg911Trp)

Gene: ATP2B3 (ATPase plasma membrane Ca2+ transporting 3; plus strand). Cytogenetic location: Xq28.
Variant type: single nucleotide variant.
Coding change: c.2731C>T on transcript NM_001001344.3 (MANE Select); coding-DNA position 2731, C replaced by T.
Protein change: p.Arg911Trp; replaces arginine 911 with tryptophan.
Molecular consequence: missense variant.
Genome position (GRCh38, 1-based): chrX:153,559,834, C>T. VCF-style: chrX-153559834-C-T. GRCh37 (hg19) VCF-style: chrX-152825292-C-T.
Other names: c.2731C>T, p.Arg911Trp (NM_001388360.1, NM_001388361.1, NM_001388362.1 and 1 more transcripts); c.2689C>T, p.Arg897Trp (NM_001410708.1); short protein forms R897W, R911W.
Identifiers: ClinVar variation 4874275 (VCV004874275.2).

ClinVar aggregate classification (germline): Uncertain significance (1 of 4 stars; one submission).

Submission:

CeGaT Center for Human Genetics Tuebingen
Classification: Uncertain significance. Last evaluated: 2026-06-01. Review status: criteria provided, single submitter. Criteria: CeGaT Center For Human Genetics Tuebingen Variant Classification Criteria Version 2. Collection method: clinical testing. Allele origin: germline. Affected: yes. Observed: 1 variant allele.
Comment: ATP2B3: PM2, PP2, PP3